The following is an entry in ClinVar:

NM_004380.3(CREBBP):c.199C>G (p.His67Asp)

Gene: CREBBP (CREB binding lysine acetyltransferase; minus strand). Cytogenetic location: 16p13.3.
Variant type: single nucleotide variant.
Coding change: c.199C>G on transcript NM_004380.3 (MANE Select); coding-DNA position 199, C replaced by G.
Protein change: p.His67Asp; replaces histidine 67 with aspartic acid.
Molecular consequence: missense variant.
Genome position (GRCh38, 1-based): chr16:3,850,896, G>C on the plus strand (C>G on the coding strand, the complement: CREBBP is on the minus strand). VCF-style: chr16-3850896-G-C. GRCh37 (hg19) VCF-style: chr16-3900897-G-C.
Other names: c.199C>G, p.His67Asp (NM_001079846.1); short protein forms H67D.
Identifiers: ClinVar variation 1676347 (VCV001676347.6), dbSNP rs751125621, ClinGen allele CA7870725.
Genomic context (GRCh38, chr16:3,850,896, plus strand): 5'-CTATTCCTGGGTTGATACTAGAGCCGCTGCCTCCTCGTAGAAGCTCCGACAGTTGTTTAT[G>C]TTTGGAAGCAGCATCTGGAACAAGGTTCCCACTGTTTAAAAGGCCTAATTCTCCTCCATT-3'
Protein context (NP_004371.2, residues 57-77): GNLVPDAASK[His67Asp]KQLSELLRGG

ClinVar aggregate classification (germline): Uncertain significance. Review status: criteria provided, multiple submitters, no conflicts (2 of 4 stars). 4 submissions from 4 submitters: Uncertain significance (4). Last evaluated 2026-06-02.

Conditions:
Rubinstein-Taybi syndrome due to CREBBP mutations (RSTS1). Also called: RUBINSTEIN SYNDROME; Rubinstein-Taybi syndrome 1; RUBINSTEIN-TAYBI SYNDROME 1, INCOMPLETE; BROAD THUMB-HALLUX SYNDROME; CREBBP-Related Rubinstein-Taybi Syndrome; BROAD THUMBS AND GREAT TOES, CHARACTERISTIC FACIES, AND IMPAIRED INTELLECTUAL DEVELOPMENT. Identifiers: Orphanet 353277, Orphanet 783, MedGen C4551859, MONDO:0008393, OMIM 180849.
Menke-Hennekam syndrome 1 (MKHK1). Identifiers: MedGen C5193034, MONDO:0020763, OMIM 618332.
CREBBP-related disorder. Also called: CREBBP-related condition; CREBBP-related disorders.
Inborn genetic diseases. Identifiers: MedGen C0950123, MeSH D030342.

gnomAD v4.1: 48 of 1,614,080 alleles (0.003%); highest among the groups gnomAD compares: Non-Finnish European, 0.0041%; no homozygotes.

Submissions (4):

PreventionGenetics, part of Exact Sciences
Classification: Uncertain significance for CREBBP-related condition. Last evaluated: 2026-06-02. Review status: criteria provided, single submitter. Criteria: ACMG Guidelines, 2015. Collection method: clinical testing. Allele origin: germline.
Comment: The CREBBP c.199C>G variant is predicted to result in the amino acid substitution p.His67Asp. To our knowledge, this variant has not been reported in the literature. This variant is reported in 0.0015% of alleles in individuals of European (Non-Finnish) descent in gnomAD. Although we suspect that this variant may be benign, at this time, the clinical significance of this variant is uncertain due to the absence of conclusive functional and genetic evidence.

Ambry Genetics
Classification: Uncertain significance for Inborn genetic diseases. Last evaluated: 2026-04-28. Review status: criteria provided, single submitter. Criteria: Ambry Variant Classification Scheme 2023. Collection method: clinical testing. Allele origin: germline.
Comment: The c.199C>G (p.H67D) alteration is located in exon 2 (coding exon 2) of the CREBBP gene. This alteration results from a C to G substitution at nucleotide position 199, causing the histidine (H) at amino acid position 67 to be replaced by an aspartic acid (D). Based on data from gnomAD, the G allele has an overall frequency of 0.001% (2/282808) total alleles studied. The highest observed frequency was 0.002% (2/129148) of European (non-Finnish) alleles. Based on insufficient or conflicting evidence, the clinical significance of this alteration remains unclear.

Fulgent Genetics
Classification: Uncertain significance for Rubinstein-Taybi syndrome due to CREBBP mutations; Menke-Hennekam syndrome 1. Last evaluated: 2024-02-08. Review status: criteria provided, single submitter. Criteria: ACMG Guidelines, 2015. Collection method: clinical testing. Allele origin: germline.

GeneDx
Classification: Uncertain significance. Last evaluated: 2022-12-05. Review status: criteria provided, single submitter. Criteria: GeneDx Variant Classification Process June 2021. Collection method: clinical testing. Allele origin: germline. Affected: yes.
Comment: In silico analysis supports that this missense variant has a deleterious effect on protein structure/function; Has not been previously published as pathogenic or benign to our knowledge; This variant is associated with the following publications: (PMID: 8616895)